The following is an entry in ClinVar:

ClinVar aggregate classification (germline): Likely benign. Review status: criteria provided, multiple submitters, no conflicts (2 of 4 stars). 2 submissions from 2 submitters: Likely benign (2). Last evaluated 2025-02-11.

Conditions:
IFT74-related disorder. Also called: IFT74-related condition; IFT74-Related Disorders.
Inborn genetic diseases. Identifiers: MedGen C0950123, MeSH D030342.

Allele frequency attached by ClinVar (database versions not stated): TOPMed below 0.00001; ExAC 0.00001.
gnomAD v4.1: 5 of 1,585,900 alleles (0.00032%); highest among the groups gnomAD compares: African/African-American, 0.0014%; no homozygotes.

Submissions (2):

PreventionGenetics, part of Exact Sciences
Classification: Likely benign for IFT74-related condition. Last evaluated: 2025-02-11. Review status: criteria provided, single submitter. Criteria: ACMG Guidelines, 2015. Collection method: clinical testing. Allele origin: germline.
Comment: This variant is classified as likely benign based on ACMG/AMP sequence variant interpretation guidelines (Richards et al. 2015 PMID: 25741868, with internal and published modifications).

Ambry Genetics
Classification: Likely benign for Inborn genetic diseases. Last evaluated: 2024-01-17. Review status: criteria provided, single submitter. Criteria: Ambry Variant Classification Scheme 2023. Collection method: clinical testing. Allele origin: germline.

NM_025103.4(IFT74):c.975G>A (p.Gln325=)

Gene: IFT74 (intraflagellar transport 74; plus strand). Cytogenetic location: 9p21.2.
Variant type: single nucleotide variant.
Coding change: c.975G>A on transcript NM_025103.4 (MANE Select); coding-DNA position 975, G replaced by A.
Protein change: p.Gln325=; no amino-acid change (glutamine 325 retained).
Molecular consequence: synonymous variant.
Genome position (GRCh38, 1-based): chr9:27,029,025, G>A. VCF-style: chr9-27029025-G-A. GRCh37 (hg19) VCF-style: chr9-27029023-G-A.
Other names: c.975G>A (NM_025103.2); c.975G>A, p.Gln325= (NM_001099222.3, NM_001099223.3, NM_001099224.3 and 1 more transcripts).
Identifiers: ClinVar variation 3108459 (VCV003108459.2), dbSNP rs766497950, ClinGen allele CA5015471.